The following is an entry in ClinVar:

ClinVar aggregate classification (germline): Uncertain significance (1 of 4 stars; one submission).

Conditions:
Hereditary cancer-predisposing syndrome. Also called: Neoplastic Syndromes, Hereditary; Tumor predisposition; Hereditary neoplastic syndrome; Hereditary Cancer Syndrome. Identifiers: Orphanet 140162, MedGen C0027672, MeSH D009386, MONDO:0015356.

Submission:

Ambry Genetics
Classification: Uncertain significance for Hereditary cancer-predisposing syndrome. Last evaluated: 2018-06-26. Review status: criteria provided, single submitter. Criteria: Ambry Variant Classification Scheme 2023. Collection method: clinical testing. Allele origin: germline.
Comment: The p.V194L variant (also known as c.580G>C), located in coding exon 5 of the ATM gene, results from a G to C substitution at nucleotide position 580. The valine at codon 194 is replaced by leucine, an amino acid with highly similar properties. This amino acid position is highly conserved through mammals but leucine is the reference amino acid in many lower vertebrate species. In addition, this alteration is predicted to be tolerated by in silico analysis. Since supporting evidence is limited at this time, the clinical significance of this alteration remains unclear.

NM_000051.4(ATM):c.580G>C (p.Val194Leu)

Gene: ATM (ATM serine/threonine kinase; plus strand). Cytogenetic location: 11q22.3.
Variant type: single nucleotide variant.
Coding change: c.580G>C on transcript NM_000051.4 (MANE Select); coding-DNA position 580, G replaced by C.
Protein change: p.Val194Leu; replaces valine 194 with leucine.
Molecular consequence: missense variant.
Genome position (GRCh38, 1-based): chr11:108,244,036, G>C. VCF-style: chr11-108244036-G-C. GRCh37 (hg19) VCF-style: chr11-108114763-G-C.
Other names: c.580G>C, p.Val194Leu (NM_001351834.2); short protein forms V194L.
Identifiers: ClinVar variation 825987 (VCV000825987.4), dbSNP rs1591500206, ClinGen allele CA382527910.